The following is an entry in ClinVar:

NM_001349206.2(LPIN1):c.2622-1G>T

Gene: LPIN1 (lipin 1; plus strand). Cytogenetic location: 2p25.1.
Variant type: single nucleotide variant.
Coding change: c.2622-1G>T on transcript NM_001349206.2 (MANE Select); the canonical splice acceptor site of the intron before coding-DNA position 2622, G replaced by T.
Molecular consequence: splice acceptor variant.
Genome position (GRCh38, 1-based): chr2:11,824,631, G>T. VCF-style: chr2-11824631-G-T. GRCh37 (hg19) VCF-style: chr2-11964757-G-T.
Other names: c.2619-1G>T (NM_001349203.2, NM_001349202.2); c.2592-1G>T (NM_001349201.2, NM_001349200.2); c.2514-1G>T (NM_145693.4, NM_001349199.2); c.2622-1G>T (NM_001349205.2, NM_001349204.2); c.2769-1G>T (NM_001261428.3); c.2661-1G>T (NM_001349208.2); c.2712-1G>T (NM_001349207.2); c.2532-1G>T (NM_001261427.3).
Identifiers: ClinVar variation 1383002 (VCV001383002.6), dbSNP rs2148744291, ClinGen allele CA345860597.

ClinVar aggregate classification (germline): Uncertain significance (1 of 4 stars; one submission).

Submission:

Labcorp Genetics (formerly Invitae), Labcorp
Classification: Uncertain significance. Last evaluated: 2025-11-10. Review status: criteria provided, single submitter. Criteria: Invitae Variant Classification Sherloc (09022015). Collection method: clinical testing. Allele origin: germline.
Comment: This sequence change affects an acceptor splice site in intron 19 of the LPIN1 gene. While this variant is not anticipated to result in nonsense mediated decay, it likely alters RNA splicing and results in a disrupted protein product. This variant is not present in population databases (gnomAD no frequency). This variant has not been reported in the literature in individuals affected with LPIN1-related conditions. ClinVar contains an entry for this variant (Variation ID: 1383002). Variants that disrupt the consensus splice site are a relatively common cause of aberrant splicing (PMID: 17576681, 9536098). Algorithms developed to predict the effect of sequence changes on RNA splicing suggest that this variant may disrupt the consensus splice site. In summary, the available evidence is currently insufficient to determine the role of this variant in disease. Therefore, it has been classified as a Variant of Uncertain Significance.

Literature cited by the submitters: PubMed 17576681; PubMed 9536098.